The following is an entry in ClinVar:

NM_007294.4(BRCA1):c.5086G>C (p.Val1696Leu)

Gene: BRCA1 (BRCA1 DNA repair associated; minus strand). Cytogenetic location: 17q21.31.
Variant type: single nucleotide variant.
Coding change: c.5086G>C on transcript NM_007294.4 (MANE Select); coding-DNA position 5086, G replaced by C.
Protein change: p.Val1696Leu; replaces valine 1696 with leucine.
Molecular consequence: missense variant. On other transcripts: non-coding transcript variant (1).
Genome position (GRCh38, 1-based): chr17:43,063,940, C>G on the plus strand (G>C on the coding strand, the complement: BRCA1 is on the minus strand). VCF-style: chr17-43063940-C-G. GRCh37 (hg19) VCF-style: chr17-41215957-C-G.
Other names: c.1765G>C, p.Val589Leu (NM_001408409.1); c.1702G>C, p.Val568Leu (NM_001408410.1); c.1699G>C, p.Val567Leu (NM_001408411.1); c.1696G>C, p.Val566Leu (NM_001408412.1, NM_001408413.1, NM_001408414.1 and 2 more transcripts); c.1660G>C, p.Val554Leu (NM_001408418.1, NM_001408419.1, NM_001408420.1); c.4873G>C, p.Val1625Leu (NM_001407902.1, NM_001407904.1, NM_001407906.1 and 12 more transcripts); c.4870G>C, p.Val1624Leu (NM_001407915.1, NM_001407916.1, NM_001407917.1 and 1 more transcripts); c.4819G>C, p.Val1607Leu (NM_001407927.1, NM_001407928.1, NM_001407929.1 and 4 more transcripts); and 71 more; short protein forms V1696L, V1649L, V1717L, V592L, V1400L, V1527L, V1567L, V1608L.
Identifiers: ClinVar variation 55390 (VCV000055390.14), dbSNP rs80357125, ClinGen allele CA003224.

ClinVar aggregate classification (germline): Uncertain significance. Review status: criteria provided, multiple submitters, no conflicts (2 of 4 stars). 4 submissions from 4 submitters: Uncertain significance (2). 2 of the submissions do not count toward it. Last evaluated 2025-04-21.

Conditions:
Breast-ovarian cancer, familial, susceptibility to, 1 (BROVCA1). Also called: BRCA1 Hereditary Breast and Ovarian Cancer; OVARIAN CANCER, SUSCEPTIBILITY TO. Identifiers: Orphanet 145, MedGen C2676676, MONDO:0011450, OMIM 604370. Disease mechanism: loss of function.
Hereditary cancer-predisposing syndrome. Also called: Hereditary Cancer Syndrome; Hereditary neoplastic syndrome; Neoplastic Syndromes, Hereditary; Tumor predisposition. Identifiers: Orphanet 140162, MedGen C0027672, MeSH D009386, MONDO:0015356.
Hereditary breast ovarian cancer syndrome. Also called: BRCA1- and BRCA2-Associated Hereditary Breast and Ovarian Cancer; Hereditary breast and ovarian cancer syndrome; Hereditary breast and ovarian cancer syndrome (HBOC); Breast and ovarian cancer; Hereditary breast and/or ovarian cancer syndrome; Hereditary breast and ovarian cancer. Identifiers: Orphanet 145, MedGen C0677776, MeSH D061325, MONDO:0003582. Disease mechanism: loss of function.

Allele frequency attached by ClinVar (database versions not stated): gnomAD exomes below 0.00001.
gnomAD v4.1: 4 of 1,614,050 alleles (0.00025%); highest among the groups gnomAD compares: Non-Finnish European, 0.00034%; no homozygotes.

Submissions (5):

Labcorp Genetics (formerly Invitae), Labcorp
Classification: Uncertain significance for Hereditary breast ovarian cancer syndrome. Last evaluated: 2025-04-21. Review status: criteria provided, single submitter. Criteria: Invitae Variant Classification Sherloc (09022015). Collection method: clinical testing. Allele origin: germline.
Comment: This sequence change replaces valine, which is neutral and non-polar, with leucine, which is neutral and non-polar, at codon 1696 of the BRCA1 protein (p.Val1696Leu). This variant is not present in population databases (gnomAD no frequency). This missense change has been observed in individual(s) with clinical features of BRCA1-related conditions (PMID: 10923033). ClinVar contains an entry for this variant (Variation ID: 55390). Invitae Evidence Modeling of protein sequence and biophysical properties (such as structural, functional, and spatial information, amino acid conservation, physicochemical variation, residue mobility, and thermodynamic stability) indicates that this missense variant is expected to disrupt BRCA1 protein function with a positive predictive value of 95%. Experimental studies are conflicting or provide insufficient evidence to determine the effect of this variant on BRCA1 function (PMID: 11877378, 19452558, 20516115, 28781887, 30209399, 30765603). In summary, the available evidence is currently insufficient to determine the role of this variant in disease. Therefore, it has been classified as a Variant of Uncertain Significance.

Ambry Genetics
Classification: Uncertain significance for Hereditary cancer-predisposing syndrome. Last evaluated: 2024-05-06. Review status: criteria provided, single submitter. Criteria: Ambry Variant Classification Scheme 2023. Collection method: clinical testing. Allele origin: germline.
Comment: The p.V1696L variant (also known as c.5086G>C), located in coding exon 16 of the BRCA1 gene, results from a G to C substitution at nucleotide position 5086. The valine at codon 1696 is replaced by leucine, an amino acid with highly similar properties. This variant is located in the BRCT domain of the BRCA1 protein, and functional studies indicate a moderate effect on structural integrity and stability (Williams RS et al. J. Biol. Chem. 2003 Dec; 278(52):53007-16; Williams RS et al. Nat. Struct. Mol. Biol. 2004 Jun; 11(6):519-25; Glover JN, Fam. Cancer 2006; 5(1):89-93; Drikos I et al. Proteins 2009 Nov; 77(2):464-76; Lee MS et al. Cancer Res. 2010 Jun; 70(12):4880-90). Another functional study found that this nucleotide substitution is functional in a high throughput genome editing haploid cell survival assay (Findlay GM et al. Nature, 2018 Oct;562:217-222). This amino acid position is highly conserved in available vertebrate species. In addition, this alteration is predicted to be deleterious by in silico analysis. Based on the available evidence, the clinical significance of this variant remains unclear.

Research Molecular Genetics Laboratory, Women's College Hospital, University of Toronto
Classification: Uncertain significance. Last evaluated: 2014-01-31. Review status: no assertion criteria provided. Collection method: research. Allele origin: germline. Affected: yes. Study: The Canadian Open Genetics Repository (COGR). Not counted in ClinVar's aggregate classification.

Breast Cancer Information Core (BIC) (BRCA1)
Classification: Uncertain significance for Breast-ovarian cancer, familial 1. Review status: no assertion criteria provided. Collection method: clinical testing. Allele origin: germline. Affected: yes. Observed: 1 variant allele. Not counted in ClinVar's aggregate classification.

Brotman Baty Institute, University of Washington
No classification provided (evidence only). Condition: Breast-ovarian cancer, familial 1. Review status: no classification provided. Collection method: in vitro. Allele origin: not applicable. Functional consequence: functionally_normal. Not counted in ClinVar's aggregate classification.
ClinVar note: "not provided" was previously submitted as the classification for the variant. However, the classification appeared to be based only on an observation of functional data so it was converted to no classification on 2025-07-30.

Literature cited by the submitters: PubMed 10923033 (cited by Labcorp Genetics (formerly Invitae), Labcorp); PubMed 11877378 (cited by Labcorp Genetics (formerly Invitae), Labcorp); PubMed 19452558 (cited by Labcorp Genetics (formerly Invitae), Labcorp and Ambry Genetics); PubMed 20516115 (cited by Labcorp Genetics (formerly Invitae), Labcorp and Ambry Genetics); PubMed 28781887 (cited by Labcorp Genetics (formerly Invitae), Labcorp); PubMed 30209399 (cited by Labcorp Genetics (formerly Invitae), Labcorp and Ambry Genetics); PubMed 30765603 (cited by Labcorp Genetics (formerly Invitae), Labcorp); PubMed 14534301 (cited by Ambry Genetics); PubMed 15133503 (cited by Ambry Genetics); PubMed 16528612 (cited by Ambry Genetics).